The following is an entry in ClinVar:

NM_004415.4(DSP):c.940-195T>C

Gene: DSP (desmoplakin; plus strand). Cytogenetic location: 6p24.3.
Variant type: single nucleotide variant.
Coding change: c.940-195T>C on transcript NM_004415.4 (MANE Select); 195 bases into the intron before coding-DNA position 940, T replaced by C.
Molecular consequence: intron variant.
Genome position (GRCh38, 1-based): chr6:7,566,182, T>C. VCF-style: chr6-7566182-T-C. GRCh37 (hg19) VCF-style: chr6-7566415-T-C.
Other names: c.940-195T>C (NM_001319034.2, NM_001008844.3).
Identifiers: ClinVar variation 672130 (VCV000672130.1), dbSNP rs2757633, ClinGen allele CA12436306.
Genomic context (GRCh38, chr6:7,566,182, plus strand): 5'-TAGAAAACCTCAGGATGGATGTAGCTCTTCTTTCCTCCTGTGTCATCTTGAGTAAGCCTC[T>C]GCCACATCCTCTCCTGTAGCAAACATCCTTTTCAGCCTTAAAAATGCTGTGATTCTTGAG-3'

ClinVar aggregate classification (germline): Benign (1 of 4 stars; one submission).

Allele frequency attached by ClinVar (database versions not stated): 1000 Genomes Project 0.81949; 1000 Genomes Project 30x 0.82183; gnomAD 0.82352 and 0.82886; TOPMed 0.84031.
gnomAD v4.1: 125,205 of 152,112 alleles (82%); highest among the groups gnomAD compares: African/African-American, 96%; 52,179 homozygotes.

Submission:

GeneDx
Classification: Benign. Last evaluated: 2018-06-13. Review status: criteria provided, single submitter. Criteria: GeneDx Variant Classification (06012015). Collection method: clinical testing. Allele origin: germline. Affected: yes.
Comment: This variant is considered likely benign or benign based on one or more of the following criteria: it is a conservative change, it occurs at a poorly conserved position in the protein, it is predicted to be benign by multiple in silico algorithms, and/or has population frequency not consistent with disease.